The following is an entry in ClinVar:

NM_145725.3(TRAF3):c.727-59G>T

Gene: TRAF3 (TNF receptor associated factor 3; plus strand). Cytogenetic location: 14q32.32.
Variant type: single nucleotide variant.
Coding change: c.727-59G>T on transcript NM_145725.3 (MANE Select); 59 bases into the intron before coding-DNA position 727, G replaced by T.
Molecular consequence: intron variant.
Genome position (GRCh38, 1-based): chr14:102,891,266, G>T. VCF-style: chr14-102891266-G-T. GRCh37 (hg19) VCF-style: chr14-103357603-G-T.
Other names: NC_000014.8:g.103357603G>T; c.727-59G>T (NM_001385142.1, NM_003300.4); c.652-59G>T (NM_145726.3); c.646-59G>T (NM_001385143.1); c.571-5995G>T (NM_001199427.2).
Identifiers: ClinVar variation 2688014 (VCV002688014.3), dbSNP rs2273393, ClinGen allele CA15813808.

ClinVar aggregate classification (germline): Benign (1 of 4 stars; one submission).

Allele frequency attached by ClinVar (database versions not stated): TOPMed 0.42279; 1000 Genomes Project 0.44289; 1000 Genomes Project 30x 0.45066.
gnomAD v4.1: 379,475 of 1,512,416 alleles (25%); highest among the groups gnomAD compares: African/African-American, 77%; 61,603 homozygotes.

Submissions (2):

Unidad de Genómica Garrahan, Hospital de Pediatría Garrahan
Classification: Benign. Last evaluated: 2024-01-24. Review status: criteria provided, single submitter. Criteria: ACMG Guidelines, 2015. Collection method: clinical testing. Allele origin: germline. Affected: no. Observed: 67 variant alleles.
Comment: This variant is classified as Benign based on local population frequency. This variant was detected in 71% of patients studied by a panel of primary immunodeficiencies. Number of patients: 67. Only high quality variants are reported.

Dr. Peter K. Rogan Lab, Western University
No classification provided (evidence only). Condition: Familial cancer of breast. Review status: no classification provided. Collection method: in vitro. Allele origin: not applicable. Functional consequence: retained intron. Not counted in ClinVar's aggregate classification.